The following is an entry in ClinVar:

NM_001134831.2(AHI1):c.3073C>G (p.Gln1025Glu)

Gene: AHI1 (Abelson helper integration site 1; minus strand). Cytogenetic location: 6q23.3.
Variant type: single nucleotide variant.
Coding change: c.3073C>G on transcript NM_001134831.2 (MANE Select); coding-DNA position 3073, C replaced by G.
Protein change: p.Gln1025Glu; replaces glutamine 1025 with glutamic acid.
Molecular consequence: missense variant.
Genome position (GRCh38, 1-based): chr6:135,394,812, G>C on the plus strand (C>G on the coding strand, the complement: AHI1 is on the minus strand). VCF-style: chr6-135394812-G-C. GRCh37 (hg19) VCF-style: chr6-135715950-G-C.
Other names: c.3073C>G, p.Gln1025Glu (NM_001134830.2, NM_001134832.2, NM_001350503.2 and 2 more transcripts); short protein forms Q1025E.
Identifiers: ClinVar variation 1005107 (VCV001005107.9), dbSNP rs868723363, ClinGen allele CA365843647.
Genomic context (GRCh38, chr6:135,394,812, plus strand): 5'-TGTCAAAGTAAGAAAGGGGCTCACCGGTCTGAGTGAAACCAAACTGATGTAGAATCTCTT[G>C]AGCGGTCAGCATGTTTGACTGCTTTAACTTAGACTGTTGTGAGGAAACTGCTGGTGGTGA-3'
Protein context (NP_001128303.1, residues 1015-1035): KLKQSNMLTA[Gln1025Glu]EILHQFGFTQ

ClinVar aggregate classification (germline): Uncertain significance (1 of 4 stars; one submission).

Conditions:
Joubert syndrome. Also called: Familial aplasia of the vermis; CEREBELLOPARENCHYMAL DISORDER IV; JOUBERT-BOLTSHAUSER SYNDROME. Identifiers: Orphanet 475, MedGen C5979921, MONDO:0018772.

Allele frequency attached by ClinVar (database versions not stated): gnomAD exomes below 0.00001.
gnomAD v4.1: 1 of 1,609,648 alleles (0.000062%); no homozygotes.

Submission:

Labcorp Genetics (formerly Invitae), Labcorp
Classification: Uncertain significance for Joubert syndrome. Last evaluated: 2020-07-30. Review status: criteria provided, single submitter. Criteria: Invitae Variant Classification Sherloc (09022015). Collection method: clinical testing. Allele origin: germline.
Comment: This sequence change replaces glutamine with glutamic acid at codon 1025 of the AHI1 protein (p.Gln1025Glu). The glutamine residue is weakly conserved and there is a small physicochemical difference between glutamine and glutamic acid. This variant is not present in population databases (ExAC no frequency). This variant has not been reported in the literature in individuals with AHI1-related conditions. Advanced modeling of protein sequence and biophysical properties (such as structural, functional, and spatial information, amino acid conservation, physicochemical variation, residue mobility, and thermodynamic stability) performed at Invitae indicates that this missense variant is not expected to disrupt AHI1 protein function. In summary, the available evidence is currently insufficient to determine the role of this variant in disease. Therefore, it has been classified as a Variant of Uncertain Significance.